The following is an entry in ClinVar:

ClinVar aggregate classification (germline): Uncertain significance (0 of 4 stars; one submission).

Conditions:
SOX4-related disorder. Also called: SOX4-related condition.

Allele frequency attached by ClinVar (database versions not stated): TOPMed 0.00001.

Submission:

PreventionGenetics, part of Exact Sciences
Classification: Uncertain significance for SOX4-related condition. Last evaluated: 2023-10-23. Review status: no assertion criteria provided. Collection method: clinical testing. Allele origin: germline.
Comment: The SOX4 c.428C>T variant is predicted to result in the amino acid substitution p.Ser143Phe. To our knowledge, this variant has not been reported in the literature or in a large population database, indicating this variant is rare. At this time, the clinical significance of this variant is uncertain due to the absence of conclusive functional and genetic evidence.

NM_003107.3(SOX4):c.428C>T (p.Ser143Phe)

Gene: SOX4 (SRY-box transcription factor 4; plus strand). Cytogenetic location: 6p22.3.
Variant type: single nucleotide variant.
Coding change: c.428C>T on transcript NM_003107.3 (MANE Select); coding-DNA position 428, C replaced by T.
Protein change: p.Ser143Phe; replaces serine 143 with phenylalanine.
Molecular consequence: missense variant.
Genome position (GRCh38, 1-based): chr6:21,594,962, C>T. VCF-style: chr6-21594962-C-T. GRCh37 (hg19) VCF-style: chr6-21595193-C-T.
Other names: short protein forms S143F.
Identifiers: ClinVar variation 3047333 (VCV003047333.2), dbSNP rs1266082499, ClinGen allele CA363270537.
Genomic context (GRCh38, chr6:21,594,962, plus strand): 5'-ACCCCGACTACAAGTACCGGCCCAGGAAGAAGGTGAAGTCCGGCAACGCCAACTCCAGCT[C>T]CTCGGCCGCCGCCTCCTCCAAGCCGGGGGAGAAGGGAGACAAGGTCGGTGGCAGTGGCGG-3'
Protein context (NP_003098.1, residues 133-153): KVKSGNANSS[Ser143Phe]SAAASSKPGE